The following is an entry in ClinVar:

NM_080632.3(UPF3B):c.1121G>A (p.Arg374His)

Gene: UPF3B (UPF3B regulator of nonsense mediated mRNA decay; minus strand). Cytogenetic location: Xq24.
Variant type: single nucleotide variant.
Coding change: c.1121G>A on transcript NM_080632.3 (MANE Select); coding-DNA position 1121, G replaced by A.
Protein change: p.Arg374His; replaces arginine 374 with histidine.
Molecular consequence: missense variant.
Genome position (GRCh38, 1-based): chrX:119,837,938, C>T on the plus strand (G>A on the coding strand, the complement: UPF3B is on the minus strand). VCF-style: chrX-119837938-C-T. GRCh37 (hg19) VCF-style: chrX-118971901-C-T.
Other names: c.1082G>A, p.Arg361His (NM_023010.4); short protein forms R374H, R361H.
Identifiers: ClinVar variation 212546 (VCV000212546.25), dbSNP rs143538947, ClinGen allele CA206124.

ClinVar aggregate classification (germline): Conflicting classifications of pathogenicity. Review status: criteria provided, conflicting classifications (1 of 4 stars). 5 submissions from 5 submitters: Uncertain significance (1); Benign (4). Last evaluated 2026-01-24.

Conditions:
Inborn genetic diseases. Identifiers: MedGen C0950123, MeSH D030342.
Intellectual developmental disorder, X-linked, syndromic 14. Also called: Syndromic X-linked intellectual disability 14. Identifiers: Orphanet 776, MedGen C1970822, MONDO:0010398, OMIM 300676.

Allele frequency attached by ClinVar (database versions not stated): gnomAD exomes 0.00043 and 0.00052; ExAC 0.00064; gnomAD 0.00160 and 0.00170; TOPMed 0.00195; ESP Exome Variant Server 0.00208; 1000 Genomes Project 0.00212; 1000 Genomes Project 30x 0.00229.

Submissions (5):

Labcorp Genetics (formerly Invitae), Labcorp
Classification: Benign for Intellectual developmental disorder, X-linked, syndromic 14. Last evaluated: 2026-01-24. Review status: criteria provided, single submitter. Criteria: Invitae Variant Classification Sherloc (09022015). Collection method: clinical testing. Allele origin: germline.

GeneDx
Classification: Benign. Last evaluated: 2018-01-30. Review status: criteria provided, single submitter. Criteria: GeneDx Variant Classification (06012015). Collection method: clinical testing. Allele origin: germline. Affected: yes.
Comment: This variant is considered likely benign or benign based on one or more of the following criteria: it is a conservative change, it occurs at a poorly conserved position in the protein, it is predicted to be benign by multiple in silico algorithms, and/or has population frequency not consistent with disease.

Eurofins Ntd Llc (ga)
Classification: Benign. Last evaluated: 2017-09-14. Review status: criteria provided, single submitter. Criteria: EGL Classification Definitions 2015. Collection method: clinical testing. Allele origin: germline. Observed: 1 variant allele, 1 hemizygote.

Ambry Genetics
Classification: Benign for Inborn genetic diseases. Last evaluated: 2016-12-23. Review status: criteria provided, single submitter. Criteria: Ambry Variant Classification Scheme 2023. Collection method: clinical testing. Allele origin: germline.

Genetic Services Laboratory, University of Chicago
Classification: Uncertain significance. Last evaluated: 2015-07-09. Review status: criteria provided, single submitter. Criteria: ACMG Guidelines, 2015. Collection method: clinical testing. Allele origin: germline.